The following is an entry in ClinVar:

NM_001211.6(BUB1B):c.2563A>G (p.Thr855Ala)

Gene: BUB1B (BUB1 mitotic checkpoint serine/threonine kinase B; plus strand). Cytogenetic location: 15q15.1.
Variant type: single nucleotide variant.
Coding change: c.2563A>G on transcript NM_001211.6 (MANE Select); coding-DNA position 2563, A replaced by G.
Protein change: p.Thr855Ala; replaces threonine 855 with alanine.
Molecular consequence: missense variant.
Genome position (GRCh38, 1-based): chr15:40,213,359, A>G. VCF-style: chr15-40213359-A-G. GRCh37 (hg19) VCF-style: chr15-40505560-A-G.
Other names: short protein forms T855A.
Identifiers: ClinVar variation 2335143 (VCV002335143.5), dbSNP rs1566828604, ClinGen allele CA391686023.
Genomic context (GRCh38, chr15:40,213,359, plus strand): 5'-GAAATAGTGAGTTTTCTGTCCTTCAATTTCCAGGATCTTCTCCAACACAGTGAATATATT[A>G]CCCATGAAATAACAGTGTTGATTATTTATAACCTTTTGACAATAGTGGAGATGCTACACA-3'
Protein context (NP_001202.5, residues 845-865): QDLLQHSEYI[Thr855Ala]HEITVLIIYN

ClinVar aggregate classification (germline): Uncertain significance. Review status: criteria provided, multiple submitters, no conflicts (2 of 4 stars). 2 submissions from 2 submitters: Uncertain significance (2). Last evaluated 2025-12-24.

Conditions:
Mosaic variegated aneuploidy syndrome 1 (MVA1). Also called: Warburton-Anyane-Yeboa syndrome. Identifiers: Orphanet 1052, MedGen C1850343, MONDO:0009759, OMIM 257300.
Inborn genetic diseases. Identifiers: MedGen C0950123, MeSH D030342.

Allele frequency attached by ClinVar (database versions not stated): gnomAD exomes below 0.00001; gnomAD 0.00001.
gnomAD v4.1: 7 of 1,613,800 alleles (0.00043%); highest among the groups gnomAD compares: Non-Finnish European, 0.00059%; no homozygotes.

Submissions (2):

Labcorp Genetics (formerly Invitae), Labcorp
Classification: Uncertain significance for Mosaic variegated aneuploidy syndrome 1. Last evaluated: 2025-12-24. Review status: criteria provided, single submitter. Criteria: Invitae Variant Classification Sherloc (09022015). Collection method: clinical testing. Allele origin: germline.
Comment: This sequence change replaces threonine, which is neutral and polar, with alanine, which is neutral and non-polar, at codon 855 of the BUB1B protein (p.Thr855Ala). This variant is present in population databases (no rsID available, gnomAD 0.0009%). This variant has not been reported in the literature in individuals affected with BUB1B-related conditions. ClinVar contains an entry for this variant (Variation ID: 2335143). An algorithm developed to predict the effect of missense changes on protein structure and function (PolyPhen-2) suggests that this variant is likely to be tolerated. In summary, the available evidence is currently insufficient to determine the role of this variant in disease. Therefore, it has been classified as a Variant of Uncertain Significance.

Ambry Genetics
Classification: Uncertain significance for Inborn genetic diseases. Last evaluated: 2022-12-15. Review status: criteria provided, single submitter. Criteria: Ambry Variant Classification Scheme 2023. Collection method: clinical testing. Allele origin: germline.